The following is an entry in ClinVar:

ClinVar aggregate classification (germline): Uncertain significance (1 of 4 stars; one submission).

Conditions:
Hereditary cancer-predisposing syndrome. Also called: Neoplastic Syndromes, Hereditary; Tumor predisposition; Hereditary Cancer Syndrome; Hereditary neoplastic syndrome. Identifiers: Orphanet 140162, MedGen C0027672, MeSH D009386, MONDO:0015356.

Submission:

Ambry Genetics
Classification: Uncertain significance for Hereditary cancer-predisposing syndrome. Last evaluated: 2026-03-30. Review status: criteria provided, single submitter. Criteria: Ambry Variant Classification Scheme 2023. Collection method: clinical testing. Allele origin: germline.
Comment: The p.S1855L variant (also known as c.5564C>T), located in coding exon 10 of the BRCA2 gene, results from a C to T substitution at nucleotide position 5564. The serine at codon 1855 is replaced by leucine, an amino acid with dissimilar properties. This amino acid position is conserved. In addition, this alteration is predicted to be deleterious by in silico analysis. Based on the available evidence, the clinical significance of this variant remains unclear.

NM_000059.4(BRCA2):c.5564C>T (p.Ser1855Leu)

Gene: BRCA2 (BRCA2 DNA repair associated; plus strand). Cytogenetic location: 13q13.1.
Variant type: single nucleotide variant.
Coding change: c.5564C>T on transcript NM_000059.4 (MANE Select); coding-DNA position 5564, C replaced by T.
Protein change: p.Ser1855Leu; replaces serine 1855 with leucine.
Molecular consequence: missense variant. On other transcripts: non-coding transcript variant (1), intron variant (2).
Genome position (GRCh38, 1-based): chr13:32,339,919, C>T. VCF-style: chr13-32339919-C-T. GRCh37 (hg19) VCF-style: chr13-32914056-C-T.
Other names: c.5564C>T, p.Ser1855Leu (NM_001406719.1, NM_001406720.1, NM_001432077.1); c.1910-4639C>T (NM_001406721.1); c.425-4639C>T (NM_001406722.1); short protein forms S1855L.
Identifiers: ClinVar variation 4867798 (VCV004867798.1).
Genomic context (GRCh38, chr13:32,339,919, plus strand): 5'-ATAATTTTGAGGTAGGGCCACCTGCATTTAGGATAGCCAGTGGTAAAATCGTTTGTGTTT[C>T]ACATGAAACAATTAAAAAAGTGAAAGACATATTTACAGACAGTTTCAGTAAAGTAATTAA-3'
Protein context (NP_000050.3, residues 1845-1865): RIASGKIVCV[Ser1855Leu]HETIKKVKDI